The following is an entry in ClinVar:

ClinVar aggregate classification (germline): Benign/Likely benign. Review status: criteria provided, multiple submitters, no conflicts (2 of 4 stars). 8 submissions from 8 submitters: Benign (3); Likely benign (2). 3 of the submissions do not count toward it. Last evaluated 2026-01-20.

Conditions:
TMEM126A-related disorder. Also called: TMEM126A-related condition.
Autosomal recessive optic atrophy, OPA7 type. Also called: OPTIC ATROPHY 7 WITH OR WITHOUT AUDITORY NEUROPATHY. Identifiers: Orphanet 227976, Orphanet 98676, MedGen C2751812, MONDO:0013069, OMIM 612989.

Allele frequency attached by ClinVar (database versions not stated): 1000 Genomes Project 30x 0.00016; 1000 Genomes Project 0.00020; TOPMed 0.00215; ESP Exome Variant Server 0.00223; gnomAD 0.00228 and 0.00239; ExAC 0.00254; gnomAD exomes 0.00288 and 0.00307.
gnomAD v4.1: 4,894 of 1,614,188 alleles (0.3%); highest among the groups gnomAD compares: Non-Finnish European, 0.3%; 18 homozygotes.

Submissions (8):

Labcorp Genetics (formerly Invitae), Labcorp
Classification: Benign. Last evaluated: 2026-01-20. Review status: criteria provided, single submitter. Criteria: Invitae Variant Classification Sherloc (09022015). Collection method: clinical testing. Allele origin: germline.

GeneDx
Classification: Benign. Last evaluated: 2018-02-16. Review status: criteria provided, single submitter. Criteria: GeneDx Variant Classification (06012015). Collection method: clinical testing. Allele origin: germline. Affected: yes.
Comment: This variant is considered likely benign or benign based on one or more of the following criteria: it is a conservative change, it occurs at a poorly conserved position in the protein, it is predicted to be benign by multiple in silico algorithms, and/or has population frequency not consistent with disease.

Illumina Laboratory Services, Illumina
Classification: Likely benign for Autosomal recessive optic atrophy, OPA7 type. Last evaluated: 2018-01-13. Review status: criteria provided, single submitter. Criteria: ICSL Variant Classification Criteria 13 December 2019. Collection method: clinical testing. Allele origin: germline.
Comment: This variant was observed in the ICSL laboratory as part of a predisposition screen in an ostensibly healthy population. It had not been previously curated by ICSL or reported in the Human Gene Mutation Database (HGMD: prior to June 1st, 2018), and was therefore a candidate for classification through an automated scoring system. Utilizing variant allele frequency, disease prevalence and penetrance estimates, and inheritance mode, an automated score was calculated to assess if this variant is too frequent to cause the disease. Based on the score and internal cut-off values, a variant classified as likely benign is not then subjected to further curation. The score for this variant resulted in a classification of likely benign for this disease.

Eurofins Ntd Llc (ga)
Classification: Benign. Last evaluated: 2016-05-26. Review status: criteria provided, single submitter. Criteria: EGL Classification Definitions 2015. Collection method: clinical testing. Allele origin: germline. Observed: 1 variant allele, 1 heterozygote.

Breakthrough Genomics
Classification: Likely benign. Review status: criteria provided, single submitter. Criteria: ACMG Guidelines, 2015. Collection method: not provided. Allele origin: germline. Inheritance: Autosomal recessive inheritance. Affected: yes.

PreventionGenetics, part of Exact Sciences
Classification: Benign for TMEM126A-related condition. Last evaluated: 2020-01-21. Review status: no assertion criteria provided. Collection method: clinical testing. Allele origin: germline. Not counted in ClinVar's aggregate classification.
Comment: This variant is classified as benign based on ACMG/AMP sequence variant interpretation guidelines (Richards et al. 2015 PMID: 25741868, with internal and published modifications).

Clinical Genetics DNA and cytogenetics Diagnostics Lab, Erasmus MC, Erasmus Medical Center
Classification: Likely benign. Review status: no assertion criteria provided. Collection method: clinical testing. Allele origin: germline. Affected: yes. Study: VKGL Data-share Consensus. Not counted in ClinVar's aggregate classification.

Clinical Genetics, Academic Medical Center
Classification: Benign. Review status: no assertion criteria provided. Collection method: clinical testing. Allele origin: germline. Affected: yes. Study: VKGL Data-share Consensus. Not counted in ClinVar's aggregate classification.

NM_032273.4(TMEM126A):c.154A>G (p.Ser52Gly)

Gene: TMEM126A (transmembrane protein 126A; plus strand). Cytogenetic location: 11q14.1.
Variant type: single nucleotide variant.
Coding change: c.154A>G on transcript NM_032273.4 (MANE Select); coding-DNA position 154, A replaced by G.
Protein change: p.Ser52Gly; replaces serine 52 with glycine.
Molecular consequence: missense variant. On other transcripts: 5 prime UTR variant (1).
Genome position (GRCh38, 1-based): chr11:85,654,130, A>G. VCF-style: chr11-85654130-A-G. GRCh37 (hg19) VCF-style: chr11-85365174-A-G.
Other names: c.-57A>G (NM_001244735.2); short protein forms S52G.
Identifiers: ClinVar variation 196565 (VCV000196565.24), dbSNP rs140047528, ClinGen allele CA243560.